The following is an entry in ClinVar:

ClinVar aggregate classification (germline): Uncertain significance. Review status: criteria provided, multiple submitters, no conflicts (2 of 4 stars). 2 submissions from 2 submitters: Uncertain significance (2). Last evaluated 2026-07-26.

Conditions:
DIAPH3-related disorder. Also called: DIAPH3-related condition.

Allele frequency attached by ClinVar (database versions not stated): gnomAD exomes 0.00001; TOPMed 0.00001; ESP Exome Variant Server 0.00008.
gnomAD v4.1: 4 of 1,612,084 alleles (0.00025%); highest among the groups gnomAD compares: Non-Finnish European, 0.00034%; no homozygotes.

Submissions (2):

PreventionGenetics, part of Exact Sciences
Classification: Uncertain significance for DIAPH3-related condition. Last evaluated: 2026-07-26. Review status: criteria provided, single submitter. Criteria: ACMG Guidelines, 2015. Collection method: clinical testing. Allele origin: germline.
Comment: The DIAPH3 c.1191A>T variant is predicted to result in the amino acid substitution p.Glu397Asp. To our knowledge, this variant has not been reported in the literature. This variant is reported in 0.00089% of alleles in individuals of European (Non-Finnish) descent in gnomAD. At this time, the clinical significance of this variant is uncertain due to the absence of conclusive functional and genetic evidence.

Labcorp Genetics (formerly Invitae), Labcorp
Classification: Uncertain significance. Last evaluated: 2023-06-26. Review status: criteria provided, single submitter. Criteria: Invitae Variant Classification Sherloc (09022015). Collection method: clinical testing. Allele origin: germline.
Comment: This sequence change replaces glutamic acid, which is acidic and polar, with aspartic acid, which is acidic and polar, at codon 397 of the DIAPH3 protein (p.Glu397Asp). This variant is present in population databases (rs199772941, gnomAD 0.0009%). In summary, the available evidence is currently insufficient to determine the role of this variant in disease. Therefore, it has been classified as a Variant of Uncertain Significance. An algorithm developed to predict the effect of missense changes on protein structure and function (PolyPhen-2) suggests that this variant is likely to be disruptive. This variant has not been reported in the literature in individuals affected with DIAPH3-related conditions.

NM_001042517.2(DIAPH3):c.1191A>T (p.Glu397Asp)

Gene: DIAPH3 (diaphanous related formin 3; minus strand). Cytogenetic location: 13q21.2.
Variant type: single nucleotide variant.
Coding change: c.1191A>T on transcript NM_001042517.2 (MANE Select); coding-DNA position 1191, A replaced by T.
Protein change: p.Glu397Asp; replaces glutamic acid 397 with aspartic acid.
Molecular consequence: missense variant.
Genome position (GRCh38, 1-based): chr13:59,992,121, T>A on the plus strand (A>T on the coding strand, the complement: DIAPH3 is on the minus strand). VCF-style: chr13-59992121-T-A. GRCh37 (hg19) VCF-style: chr13-60566255-T-A.
Other names: c.1191A>T (NM_001042517.1); c.1158A>T, p.Glu386Asp (NM_001258366.2); c.1053A>T, p.Glu351Asp (NM_001258367.2); c.981A>T, p.Glu327Asp (NM_001258368.2); c.1191A>T, p.Glu397Asp (NM_001258369.2); c.402A>T, p.Glu134Asp (NM_001258370.2, NM_030932.4); short protein forms E134D, E351D, E386D, E327D, E397D.
Identifiers: ClinVar variation 2901164 (VCV002901164.4), dbSNP rs199772941, ClinGen allele CA250965080.